The following is an entry in ClinVar:

ClinVar aggregate classification (germline): Uncertain significance (1 of 4 stars; one submission).

Conditions:
Fanconi anemia complementation group O. Also called: RAD51C-Related Fanconi Anemia. Identifiers: Orphanet 84, MedGen C3150653, MONDO:0013248, OMIM 613390.

Submission:

Labcorp Genetics (formerly Invitae), Labcorp
Classification: Uncertain significance for Fanconi anemia complementation group O. Last evaluated: 2025-08-07. Review status: criteria provided, single submitter. Criteria: Invitae Variant Classification Sherloc (09022015). Collection method: clinical testing. Allele origin: germline.
Comment: This sequence change replaces glutamine, which is neutral and polar, with histidine, which is basic and polar, at codon 97 of the RAD51C protein (p.Gln97His). This variant is not present in population databases (gnomAD no frequency). This variant has not been reported in the literature in individuals affected with RAD51C-related conditions. ClinVar contains an entry for this variant (Variation ID: 2852192). Invitae Evidence Modeling of protein sequence and biophysical properties (such as structural, functional, and spatial information, amino acid conservation, physicochemical variation, residue mobility, and thermodynamic stability) indicates that this missense variant is not expected to disrupt RAD51C protein function with a negative predictive value of 80%. In summary, the available evidence is currently insufficient to determine the role of this variant in disease. Therefore, it has been classified as a Variant of Uncertain Significance.

NM_058216.3(RAD51C):c.291G>C (p.Gln97His)

Gene: RAD51C (RAD51 paralog C; plus strand). Cytogenetic location: 17q22.
Variant type: single nucleotide variant.
Coding change: c.291G>C on transcript NM_058216.3 (MANE Select); coding-DNA position 291, G replaced by C.
Protein change: p.Gln97His; replaces glutamine 97 with histidine.
Molecular consequence: missense variant. On other transcripts: non-coding transcript variant (2).
Genome position (GRCh38, 1-based): chr17:58,695,076, G>C. VCF-style: chr17-58695076-G-C. GRCh37 (hg19) VCF-style: chr17-56772437-G-C.
Other names: c.291G>C, p.Gln97His (NM_002876.4, NM_058217.1); short protein forms Q97H.
Identifiers: ClinVar variation 2852192 (VCV002852192.3), dbSNP rs766022816, ClinGen allele CA400340922.